The following is an entry in ClinVar:

ClinVar aggregate classification (germline): Likely benign (0 of 4 stars; one submission).

Conditions:
PPP1R9A-related disorder. Also called: PPP1R9A-related condition.

Allele frequency attached by ClinVar (database versions not stated): ESP Exome Variant Server 0.00023; gnomAD exomes 0.00038; ExAC 0.00040; gnomAD 0.00058; TOPMed 0.00063.
gnomAD v4.1: 665 of 1,614,116 alleles (0.041%); highest among the groups gnomAD compares: Admixed American, 0.095%; 2 homozygotes.

Submission:

PreventionGenetics, part of Exact Sciences
Classification: Likely benign for PPP1R9A-related condition. Last evaluated: 2020-04-29. Review status: no assertion criteria provided. Collection method: clinical testing. Allele origin: germline.
Comment: This variant is classified as likely benign based on ACMG/AMP sequence variant interpretation guidelines (Richards et al. 2015 PMID: 25741868, with internal and published modifications).

NM_001166160.2(PPP1R9A):c.393C>T (p.Tyr131=)

Gene: PPP1R9A (protein phosphatase 1 regulatory subunit 9A; plus strand). Cytogenetic location: 7q21.3.
Variant type: single nucleotide variant.
Coding change: c.393C>T on transcript NM_001166160.2 (MANE Select); coding-DNA position 393, C replaced by T.
Protein change: p.Tyr131=; no amino-acid change (tyrosine 131 retained).
Molecular consequence: synonymous variant.
Genome position (GRCh38, 1-based): chr7:94,910,506, C>T. VCF-style: chr7-94910506-C-T. GRCh37 (hg19) VCF-style: chr7-94539818-C-T.
Other names: c.393C>T, p.Tyr131= (NM_001166161.1, NM_001166162.1, NM_001166163.1 and 1 more transcripts).
Identifiers: ClinVar variation 3048567 (VCV003048567.2), dbSNP rs370361768, ClinGen allele CA4349239.